The following is an entry in ClinVar:

ClinVar aggregate classification (germline): Uncertain significance (1 of 4 stars; one submission).

Allele frequency attached by ClinVar (database versions not stated): gnomAD exomes below 0.00001; TOPMed below 0.00001; ExAC 0.00001; gnomAD 0.00001.
gnomAD v4.1: 5 of 1,613,874 alleles (0.00031%); highest among the groups gnomAD compares: Admixed American, 0.0033%; no homozygotes.

Submission:

Labcorp Genetics (formerly Invitae), Labcorp
Classification: Uncertain significance. Last evaluated: 2025-10-19. Review status: criteria provided, single submitter. Criteria: Invitae Variant Classification Sherloc (09022015). Collection method: clinical testing. Allele origin: germline.
Comment: This sequence change replaces asparagine, which is neutral and polar, with serine, which is neutral and polar, at codon 139 of the FBLN5 protein (p.Asn139Ser). This variant is present in population databases (rs772441668, gnomAD 0.003%). This variant has not been reported in the literature in individuals affected with FBLN5-related conditions. ClinVar contains an entry for this variant (Variation ID: 1404336). Invitae Evidence Modeling of protein sequence and biophysical properties (such as structural, functional, and spatial information, amino acid conservation, physicochemical variation, residue mobility, and thermodynamic stability) indicates that this missense variant is not expected to disrupt FBLN5 protein function with a negative predictive value of 80%. In summary, the available evidence is currently insufficient to determine the role of this variant in disease. Therefore, it has been classified as a Variant of Uncertain Significance.

NM_006329.4(FBLN5):c.416A>G (p.Asn139Ser)

Gene: FBLN5 (fibulin 5; minus strand). Cytogenetic location: 14q32.12.
Variant type: single nucleotide variant.
Coding change: c.416A>G on transcript NM_006329.4 (MANE Select); coding-DNA position 416, A replaced by G.
Protein change: p.Asn139Ser; replaces asparagine 139 with serine.
Molecular consequence: missense variant.
Genome position (GRCh38, 1-based): chr14:91,895,036, T>C on the plus strand (A>G on the coding strand, the complement: FBLN5 is on the minus strand). VCF-style: chr14-91895036-T-C. GRCh37 (hg19) VCF-style: chr14-92361380-T-C.
Other names: c.539A>G, p.Asn180Ser (NM_001384158.1); c.467A>G, p.Asn156Ser (NM_001384159.1); c.416A>G, p.Asn139Ser (NM_001384160.1); c.248A>G, p.Asn83Ser (NM_001384161.1, NM_001384162.1); short protein forms N83S, N156S, N139S, N180S.
Identifiers: ClinVar variation 1404336 (VCV001404336.6), dbSNP rs772441668, ClinGen allele CA7312852.